The following is an entry in ClinVar:

ClinVar aggregate classification (germline): Uncertain significance. Review status: criteria provided, multiple submitters, no conflicts (2 of 4 stars). 3 submissions from 3 submitters: Uncertain significance (3). Last evaluated 2021-07-16.

Conditions:
Neonatal diabetes mellitus with congenital hypothyroidism. Also called: NDH SYNDROME. Identifiers: Orphanet 79118, MedGen C1857775, MONDO:0012436, OMIM 610199.

Allele frequency attached by ClinVar (database versions not stated): ESP Exome Variant Server 0.00016; gnomAD exomes 0.00020 and 0.00025; TOPMed 0.00020; ExAC 0.00022; gnomAD 0.00025 and 0.00026.
gnomAD v4.1: 326 of 1,614,092 alleles (0.02%); highest among the groups gnomAD compares: Non-Finnish European, 0.023%; no homozygotes.

Submissions (3):

Fulgent Genetics
Classification: Uncertain significance for Neonatal diabetes mellitus with congenital hypothyroidism. Last evaluated: 2021-07-16. Review status: criteria provided, single submitter. Criteria: ACMG Guidelines, 2015. Collection method: clinical testing. Allele origin: unknown.

Baylor Genetics
Classification: Uncertain significance for Neonatal diabetes mellitus with congenital hypothyroidism. Last evaluated: 2018-02-11. Review status: criteria provided, single submitter. Criteria: ACMG Guidelines, 2015. Collection method: clinical testing. Allele origin: unknown. Affected: yes.
Comment: This variant was determined to be of uncertain significance according to ACMG Guidelines, 2015 [PMID:25741868].

Illumina Laboratory Services, Illumina
Classification: Uncertain significance for Neonatal diabetes mellitus with congenital hypothyroidism. Last evaluated: 2018-01-13. Review status: criteria provided, single submitter. Criteria: ICSL Variant Classification Criteria 13 December 2019. Collection method: clinical testing. Allele origin: germline.

NM_001042413.2(GLIS3):c.82A>G (p.Ile28Val)

Gene: GLIS3 (GLIS family zinc finger 3; minus strand). Cytogenetic location: 9p24.2.
Variant type: single nucleotide variant.
Coding change: c.82A>G on transcript NM_001042413.2 (MANE Select); coding-DNA position 82, A replaced by G.
Protein change: p.Ile28Val; replaces isoleucine 28 with valine.
Molecular consequence: missense variant.
Genome position (GRCh38, 1-based): chr9:4,286,344, T>C on the plus strand (A>G on the coding strand, the complement: GLIS3 is on the minus strand). VCF-style: chr9-4286344-T-C. GRCh37 (hg19) VCF-style: chr9-4286344-T-C.
Other names: short protein forms I28V.
Identifiers: ClinVar variation 367002 (VCV000367002.7), dbSNP rs113754532, ClinGen allele CA4968710.